The following is an entry in ClinVar:

NM_001849.4(COL6A2):c.1196G>T (p.Ser399Ile)

Gene: COL6A2 (collagen type VI alpha 2 chain; plus strand). Cytogenetic location: 21q22.3.
Variant type: single nucleotide variant.
Coding change: c.1196G>T on transcript NM_001849.4 (MANE Select); coding-DNA position 1196, G replaced by T.
Protein change: p.Ser399Ile; replaces serine 399 with isoleucine.
Molecular consequence: missense variant.
Genome position (GRCh38, 1-based): chr21:46,119,046, G>T. VCF-style: chr21-46119046-G-T. GRCh37 (hg19) VCF-style: chr21-47538960-G-T.
Other names: c.1196G>T, p.Ser399Ile (NM_058174.3, NM_058175.3); short protein forms S399I.
Identifiers: ClinVar variation 2027870 (VCV002027870.4), dbSNP rs2839110, ClinGen allele CA10071766.

ClinVar aggregate classification (germline): Uncertain significance (1 of 4 stars; one submission).

Conditions:
Bethlem myopathy 1A. Also called: MYOPATHY, BENIGN CONGENITAL, WITH CONTRACTURES; Bethlem myopathy 1; Bethlem Muscular Dystrophy. Identifiers: Orphanet 610, MedGen CN029274, MONDO:0024530, OMIM 158810.

gnomAD v4.1: 2 of 1,612,494 alleles (0.00012%); highest among the groups gnomAD compares: Admixed American, 0.0033%; no homozygotes.

Submission:

Labcorp Genetics (formerly Invitae), Labcorp
Classification: Uncertain significance for Bethlem myopathy 1A. Last evaluated: 2023-09-03. Review status: criteria provided, single submitter. Criteria: Invitae Variant Classification Sherloc (09022015). Collection method: clinical testing. Allele origin: germline.
Comment: This sequence change replaces serine, which is neutral and polar, with isoleucine, which is neutral and non-polar, at codon 399 of the COL6A2 protein (p.Ser399Ile). This variant is present in population databases (rs2839110, gnomAD 0.006%). This variant has not been reported in the literature in individuals affected with COL6A2-related conditions. ClinVar contains an entry for this variant (Variation ID: 2027870). Advanced modeling of protein sequence and biophysical properties (such as structural, functional, and spatial information, amino acid conservation, physicochemical variation, residue mobility, and thermodynamic stability) performed at Invitae indicates that this missense variant is not expected to disrupt COL6A2 protein function. In summary, the available evidence is currently insufficient to determine the role of this variant in disease. Therefore, it has been classified as a Variant of Uncertain Significance.